The following is an entry in ClinVar:

NM_015386.3(COG4):c.739-1G>C

Gene: COG4 (component of oligomeric golgi complex 4; minus strand). Cytogenetic location: 16q22.1.
Variant type: single nucleotide variant.
Coding change: c.739-1G>C on transcript NM_015386.3 (MANE Select); the canonical splice acceptor site of the intron before coding-DNA position 739, G replaced by C.
Molecular consequence: splice acceptor variant.
Genome position (GRCh38, 1-based): chr16:70,510,022, C>G on the plus strand (G>C on the coding strand, the complement: COG4 is on the minus strand). VCF-style: chr16-70510022-C-G. GRCh37 (hg19) VCF-style: chr16-70543925-C-G.
Other names: c.727-1G>C (NM_001195139.2); c.313-1G>C (NM_001365426.1).
Identifiers: ClinVar variation 4714046 (VCV004714046.1).
Genomic context (GRCh38, chr16:70,510,022, plus strand): 5'-CCGATCACTCATGTCTGTCCCCAGCACCATGAGCAGATTCTCCTCAGCTTTACTGGCCAC[C>G]TAAAAAAGGAGAAAACCCACACACATTCCTCAGAAAGGTCACCCTCATACCAGGTATATC-3'

ClinVar aggregate classification (germline): Likely pathogenic (1 of 4 stars; one submission).

Conditions:
COG4-congenital disorder of glycosylation. Also called: COG4-CDG; CONGENITAL DISORDER OF GLYCOSYLATION, TYPE IIj; CDG IIj. Identifiers: Orphanet 263501, MedGen C4303552, MONDO:0013281, OMIM 613489.

gnomAD v4.1: 2 of 1,613,026 alleles (0.00012%); no homozygotes.

Submission:

Labcorp Genetics (formerly Invitae), Labcorp
Classification: Likely pathogenic for COG4-congenital disorder of glycosylation. Last evaluated: 2025-04-11. Review status: criteria provided, single submitter. Criteria: Invitae Variant Classification Sherloc (09022015). Collection method: clinical testing. Allele origin: germline.
Comment: This sequence change affects an acceptor splice site in intron 5 of the COG4 gene. It is expected to disrupt RNA splicing. Variants that disrupt the donor or acceptor splice site typically lead to a loss of protein function (PMID: 16199547), and loss-of-function variants in COG4 are known to be pathogenic (PMID: 21185756). This variant is present in population databases (no rsID available, gnomAD 0.004%). This variant has not been reported in the literature in individuals affected with COG4-related conditions. Algorithms developed to predict the effect of sequence changes on RNA splicing suggest that this variant may disrupt the consensus splice site. In summary, the currently available evidence indicates that the variant is pathogenic, but additional data are needed to prove that conclusively. Therefore, this variant has been classified as Likely Pathogenic.

Literature cited by the submitters: PubMed 16199547; PubMed 21185756.